The following is an entry in ClinVar:

NM_030665.4(RAI1):c.77G>T (p.Arg26Leu)

Gene: RAI1 (retinoic acid induced 1; plus strand). Cytogenetic location: 17p11.2.
Variant type: single nucleotide variant.
Coding change: c.77G>T on transcript NM_030665.4 (MANE Select); coding-DNA position 77, G replaced by T.
Protein change: p.Arg26Leu; replaces arginine 26 with leucine.
Molecular consequence: missense variant.
Genome position (GRCh38, 1-based): chr17:17,793,025, G>T. VCF-style: chr17-17793025-G-T. GRCh37 (hg19) VCF-style: chr17-17696339-G-T.
Other names: short protein forms R26L.
Identifiers: ClinVar variation 2717424 (VCV002717424.3), dbSNP rs139160898, ClinGen allele CA398544708.

ClinVar aggregate classification (germline): Uncertain significance (1 of 4 stars; one submission).

Submission:

Labcorp Genetics (formerly Invitae), Labcorp
Classification: Uncertain significance. Last evaluated: 2023-04-28. Review status: criteria provided, single submitter. Criteria: Invitae Variant Classification Sherloc (09022015). Collection method: clinical testing. Allele origin: germline.
Comment: In summary, the available evidence is currently insufficient to determine the role of this variant in disease. Therefore, it has been classified as a Variant of Uncertain Significance. Advanced modeling of protein sequence and biophysical properties (such as structural, functional, and spatial information, amino acid conservation, physicochemical variation, residue mobility, and thermodynamic stability) has been performed at Invitae for this missense variant, however the output from this modeling did not meet the statistical confidence thresholds required to predict the impact of this variant on RAI1 protein function. This variant has not been reported in the literature in individuals affected with RAI1-related conditions. This variant is not present in population databases (gnomAD no frequency). This sequence change replaces arginine, which is basic and polar, with leucine, which is neutral and non-polar, at codon 26 of the RAI1 protein (p.Arg26Leu).